The following is an entry in ClinVar:

NM_133379.5(TTN):c.15956A>G (p.Lys5319Arg)

Gene: TTN (titin; minus strand). Cytogenetic location: 2q31.2.
Variant type: single nucleotide variant.
Coding change: c.15956A>G on transcript NM_133379.5; coding-DNA position 15956, A replaced by G.
Protein change: p.Lys5319Arg; replaces lysine 5319 with arginine.
Molecular consequence: missense variant. On other transcripts: intron variant (6).
Genome position (GRCh38, 1-based): chr2:178,746,444, T>C on the plus strand (A>G on the coding strand, the complement: TTN is on the minus strand). VCF-style: chr2-178746444-T-C. GRCh37 (hg19) VCF-style: chr2-179611171-T-C.
Other names: p.K5319R:AAA>AGA; c.10223-4523A>G (NM_003319.4); c.10799-4523A>G (NM_133437.4); c.10598-4523A>G (NM_133432.3); c.10360+6680A>G (NM_133378.4); c.10361-4523A>G (NM_001256850.1); c.11312-4523A>G (NM_001267550.2); short protein forms K5319R.
Identifiers: ClinVar variation 203213 (VCV000203213.2), dbSNP rs794729598, ClinGen allele CA311698.
Genomic context (GRCh38, chr2:178,746,444, plus strand): 5'-TCAGGAGTAAATTCGGGAACTGTCACTATTTTCACCTGCTTCTCAAATTCTTTAACGTCT[T>C]TTTCACTTAATTCAACTTCCAGGACAATTTCTTGAGGAGAAGGTGTTCTTGATGATGTGG-3'

ClinVar aggregate classification (germline): Uncertain significance (1 of 4 stars; one submission).

Allele frequency attached by ClinVar (database versions not stated): gnomAD exomes below 0.00001.
gnomAD v4.1: 2 of 1,611,960 alleles (0.00012%); highest among the groups gnomAD compares: Non-Finnish European, 0.00017%; no homozygotes.

Submission:

GeneDx
Classification: Uncertain significance. Last evaluated: 2014-05-24. Review status: criteria provided, single submitter. Criteria: GeneDx Variant Classification (06012015). Collection method: clinical testing. Allele origin: germline. Affected: yes.
Comment: Missense variants in the TTN gene are considered 'unclassified' if they are not previously reported in the literature and do not have >1% frequency in the population to be considered a polymorphism. Research indicates that truncating mutations in the TTN gene are expected to account for approximately 25% of familial and 18% of sporadic idiopathic DCM; however, truncating variants in the TTN gene have been reported in approximately 3% of reported control alleles. There has been little investigation into non-truncating variants. (Herman D et al. Truncations of titin causing dilated cardiomyopathy. N Eng J Med 366:619-628, 2012) The variant is found in CARDIOMYOPATHY panel(s).